The following is an entry in ClinVar:

NM_000432.4(MYL2):c.284C>T (p.Pro95Leu)

Gene: MYL2 (myosin light chain 2; minus strand). Cytogenetic location: 12q24.11.
Variant type: single nucleotide variant.
Coding change: c.284C>T on transcript NM_000432.4 (MANE Select); coding-DNA position 284, C replaced by T.
Protein change: p.Pro95Leu; replaces proline 95 with leucine.
Molecular consequence: missense variant.
Genome position (GRCh38, 1-based): chr12:110,913,315, G>A on the plus strand (C>T on the coding strand, the complement: MYL2 is on the minus strand). VCF-style: chr12-110913315-G-A. GRCh37 (hg19) VCF-style: chr12-111351119-G-A.
Other names: c.242C>T, p.Pro81Leu (NM_001406745.1, NM_001406746.1); c.227C>T, p.Pro76Leu (NM_001406916.1); short protein forms P76L, P81L, P95L.
Identifiers: ClinVar variation 1996556 (VCV001996556.4), dbSNP rs2499808638, ClinGen allele CA386698140.
Genomic context (GRCh38, chr12:110,913,315, plus strand): 5'-TTCAGCACCCCTTTGCCTTCAGGGTCAAACACTTTGAATGCGTTGAGAATGGTTTCCTCA[G>A]GGTCCGCTCCTGAAACGGAACACAGGGCTTACATGTACTGGGGGTGGCTGGGAACCACTG-3'
Protein context (NP_000423.2, residues 85-105): MFGEKLKGAD[Pro95Leu]EETILNAFKV

ClinVar aggregate classification (germline): Uncertain significance (1 of 4 stars; one submission).

Conditions:
Hypertrophic cardiomyopathy 10. Also called: MYL2-Related Familial Hypertrophic Cardiomyopathy; CARDIOMYOPATHY, HYPERTROPHIC, MID-LEFT VENTRICULAR CHAMBER TYPE, 2. Identifiers: MedGen C1834460, MONDO:0012112, OMIM 608758.

Submission:

Labcorp Genetics (formerly Invitae), Labcorp
Classification: Uncertain significance for Hypertrophic cardiomyopathy 10. Last evaluated: 2022-11-01. Review status: criteria provided, single submitter. Criteria: Invitae Variant Classification Sherloc (09022015). Collection method: clinical testing. Allele origin: germline.
Comment: In summary, the available evidence is currently insufficient to determine the role of this variant in disease. Therefore, it has been classified as a Variant of Uncertain Significance. This sequence change replaces proline, which is neutral and non-polar, with leucine, which is neutral and non-polar, at codon 95 of the MYL2 protein (p.Pro95Leu). This variant is not present in population databases (gnomAD no frequency). This variant has not been reported in the literature in individuals affected with MYL2-related conditions. Algorithms developed to predict the effect of missense changes on protein structure and function are either unavailable or do not agree on the potential impact of this missense change (SIFT: "Deleterious"; PolyPhen-2: "Possibly Damaging"; Align-GVGD: "Class C0").